The following is an entry in ClinVar:

NM_007113.4(TCHH):c.1del (p.Met1fs)

Gene: TCHH (trichohyalin; minus strand). Cytogenetic location: 1q21.3.
Variant type: Deletion.
Coding change: c.1del on transcript NM_007113.4 (MANE Select); coding-DNA position 1, one base deleted (A; older notation c.1delA).
Protein change: p.Met1fs; shifts the reading frame from methionine 1.
Molecular consequence: frameshift variant, initiator codon variant.
Genome position (GRCh38, 1-based): chr1:152,114,080, T deleted on the plus strand (A on the coding strand, the reverse complement: TCHH is on the minus strand); the first of 9 consecutive T bases (chr1:152,114,080-152,114,088); deleting any one gives the same sequence. VCF-style (leftmost placement, unchanged base first): chr1-152114079-AT-A. GRCh37 (hg19) VCF-style: chr1-152086555-AT-A.
Other names: short protein forms M1fs.
Identifiers: ClinVar variation 718141 (VCV000718141.26), dbSNP rs141946179, ClinGen allele CA1099273.
Genomic context (GRCh38, chr1:152,114,079, plus strand): 5'-TGAGAGACATACTGATTGAAAATTTCAGTGATGTCACAGATGCTTCTCAGAAGTGGAGAC[AT>A]TTTTTTTTCTTTCCTTCAAGTTCAAGTAAACCTAGAACAATAAAATAAGATCCAGAATCA-3'

ClinVar aggregate classification (germline): Likely benign. Review status: criteria provided, multiple submitters, no conflicts (2 of 4 stars). 3 submissions from 3 submitters: Likely benign (3). Last evaluated 2024-11-15.

Submissions (3):

Blueprint Genetics
Classification: Likely benign. Last evaluated: 2024-11-15. Review status: criteria provided, single submitter. Criteria: ACMG Guidelines, 2015. Collection method: clinical testing. Allele origin: germline.

CeGaT Center for Human Genetics Tuebingen
Classification: Likely benign. Last evaluated: 2024-04-01. Review status: criteria provided, single submitter. Criteria: CeGaT Center For Human Genetics Tuebingen Variant Classification Criteria Version 2. Collection method: clinical testing. Allele origin: germline. Affected: yes. Observed: 1 variant allele.
Comment: TCHH: BS2

Labcorp Genetics (formerly Invitae), Labcorp
Classification: Likely benign. Last evaluated: 2019-12-31. Review status: criteria provided, single submitter. Criteria: Invitae Variant Classification Sherloc (09022015). Collection method: clinical testing. Allele origin: germline.